The following is an entry in ClinVar:

NM_020919.4(ALS2):c.154C>T (p.His52Tyr)

Gene: ALS2 (alsin Rho guanine nucleotide exchange factor ALS2; minus strand). Cytogenetic location: 2q33.1.
Variant type: single nucleotide variant.
Coding change: c.154C>T on transcript NM_020919.4 (MANE Select); coding-DNA position 154, C replaced by T.
Protein change: p.His52Tyr; replaces histidine 52 with tyrosine.
Molecular consequence: missense variant.
Genome position (GRCh38, 1-based): chr2:201,767,250, G>A on the plus strand (C>T on the coding strand, the complement: ALS2 is on the minus strand). VCF-style: chr2-201767250-G-A. GRCh37 (hg19) VCF-style: chr2-202631973-G-A.
Other names: c.154C>T, p.His52Tyr (NM_001135745.2); short protein forms H52Y.
Identifiers: ClinVar variation 934105 (VCV000934105.9), dbSNP rs1694137725, ClinGen allele CA350329481.
Genomic context (GRCh38, chr2:201,767,250, plus strand): 5'-CATTGCAGTTCGTATTTGTTACGCCATTCTTTTCATTACCTTCAGTCAGAAGAACTCCAT[G>A]TTTCACTCCGAGGGCTGCCTGCAAAACAGTCTTTCCTCCCCAGCCTGGCAATCTCTCTGG-3'
Protein context (NP_065970.2, residues 42-62): TVLQAALGVK[His52Tyr]GVLLTEDGEV

ClinVar aggregate classification (germline): Uncertain significance (1 of 4 stars; one submission).

Conditions:
Infantile-onset ascending hereditary spastic paralysis (IAHSP). Also called: Autosomal Recessive Juvenile Amyotrophic Lateral Sclerosis; Infantile-Onset Ascending Hereditary Spastic Paralysis (IAHSP). Identifiers: Orphanet 293168, MedGen C2931441, MONDO:0011797, OMIM 607225. Disease mechanism: loss of function.

Allele frequency attached by ClinVar (database versions not stated): gnomAD exomes 0.00001.
gnomAD v4.1: 6 of 1,614,034 alleles (0.00037%); highest among the groups gnomAD compares: Non-Finnish European, 0.00051%; no homozygotes.

Submission:

Labcorp Genetics (formerly Invitae), Labcorp
Classification: Uncertain significance for Infantile-onset ascending hereditary spastic paralysis. Last evaluated: 2022-09-09. Review status: criteria provided, single submitter. Criteria: Invitae Variant Classification Sherloc (09022015). Collection method: clinical testing. Allele origin: germline.
Comment: This variant has not been reported in the literature in individuals affected with ALS2-related conditions. This variant is not present in population databases (gnomAD no frequency). This sequence change replaces histidine, which is basic and polar, with tyrosine, which is neutral and polar, at codon 52 of the ALS2 protein (p.His52Tyr). ClinVar contains an entry for this variant (Variation ID: 934105). In summary, the available evidence is currently insufficient to determine the role of this variant in disease. Therefore, it has been classified as a Variant of Uncertain Significance. Algorithms developed to predict the effect of missense changes on protein structure and function are either unavailable or do not agree on the potential impact of this missense change (SIFT: "Deleterious"; PolyPhen-2: "Probably Damaging"; Align-GVGD: "Class C0").